The following is an entry in ClinVar:

ClinVar aggregate classification (germline): Pathogenic (1 of 4 stars; one submission).

Submission:

Labcorp Genetics (formerly Invitae), Labcorp
Classification: Pathogenic. Last evaluated: 2023-05-28. Review status: criteria provided, single submitter. Criteria: Invitae Variant Classification Sherloc (09022015). Collection method: clinical testing. Allele origin: unknown.
Comment: This variant is a gross deletion of the genomic region encompassing exon(s) 10-11 of the CYP19A1 gene, which includes the termination codon. This deletion extends beyond the assayed region for this gene and therefore may encompass additional genes. While this deletion is not anticipated to lead to nonsense mediated decay, it is expected to alter mRNA translation or result in a truncated protein product. This variant has not been reported in the literature in individuals affected with CYP19A1-related conditions. For these reasons, this variant has been classified as Pathogenic. This variant disrupts a region of the CYP19A1 protein in which other variant(s) (p.Arg435Cys) have been determined to be pathogenic (PMID: 8265607, 17164303, 23329769, 27256151). This suggests that this is a clinically significant region of the protein, and that variants that disrupt it are likely to be disease-causing.

Literature cited by the submitters: PubMed 8265607; PubMed 17164303; PubMed 23329769; PubMed 27256151.

NC_000015.9:g.(?_51503005)_(51504778_?)del

Gene: CYP19A1 (cytochrome P450 family 19 subfamily A member 1; minus strand). Cytogenetic location: 15q21.2.
Variant type: Deletion.
Identifiers: ClinVar variation 3243896 (VCV003243896.1).